The following is an entry in ClinVar:

NC_000021.9:g.(?_43053340)_(43056907_?)del

Gene: CBS (cystathionine beta-synthase; minus strand). Cytogenetic location: 21q22.3.
Variant type: Deletion.
Identifiers: ClinVar variation 538706 (VCV000538706.2).

ClinVar aggregate classification (germline): Uncertain significance. Review status: criteria provided, single submitter (1 of 4 stars). 2 submissions from 1 submitter: Uncertain significance (2). Last evaluated 2017-08-25.

Conditions:
Classic homocystinuria. Also called: HOMOCYSTINURIA WITH OR WITHOUT RESPONSE TO PYRIDOXINE; Homocystinuria due to Cystathionine Beta-Synthase Deficiency; Homocystinuria due to CBS deficiency; Cystathionine beta-synthase deficiency; CBS deficiency. Identifiers: Orphanet 394, MedGen C0751202, MONDO:0009352, OMIM 236200.
HYPERHOMOCYSTEINEMIA, THROMBOTIC, CBS-RELATED. Identifiers: MedGen C3150344, OMIM 236200.

Submissions (2):

Labcorp Genetics (formerly Invitae), Labcorp
Classification: Uncertain significance for HYPERHOMOCYSTEINEMIA, THROMBOTIC, CBS-RELATED. Last evaluated: 2017-08-25. Review status: criteria provided, single submitter. Criteria: Invitae Variant Classification Sherloc (09022015). Collection method: clinical testing. Allele origin: germline.
Comment: This variant is a gross deletion of the genomic region encompassing exons 16-17 of the CBS gene. The 5' boundary is likely confined to intron 16. The 3' end of this event is unknown as it extends through the termination codon beyond the assayed region for this gene and may encompass additional genes. While this deletion is not anticipated to result in nonsense mediated decay, it is expected to create a truncated protein product or disrupt mRNA translation. In summary, the available evidence is currently insufficient to determine the role of this variant in disease. Therefore, it has been classified as a Variant of Uncertain Significance.

Labcorp Genetics (formerly Invitae), Labcorp
Classification: Uncertain significance for HYPERHOMOCYSTEINEMIA, THROMBOTIC, CBS-RELATED. Last evaluated: 2017-08-17. Review status: criteria provided, single submitter. Criteria: Invitae Variant Classification Sherloc (09022015). Collection method: clinical testing. Allele origin: germline.
Comment: the same text as in the submission from Labcorp Genetics (formerly Invitae), Labcorp above.